The following is an entry in ClinVar:

NM_016222.4(DDX41):c.4G>A (p.Glu2Lys)

Gene: DDX41 (DEAD-box helicase 41; minus strand). Cytogenetic location: 5q35.3.
Variant type: single nucleotide variant.
Coding change: c.4G>A on transcript NM_016222.4 (MANE Select); coding-DNA position 4, G replaced by A.
Protein change: p.Glu2Lys; replaces glutamic acid 2 with lysine.
Molecular consequence: missense variant. On other transcripts: 5 prime UTR variant (2).
Genome position (GRCh38, 1-based): chr5:177,516,942, C>T on the plus strand (G>A on the coding strand, the complement: DDX41 is on the minus strand). VCF-style: chr5-177516942-C-T. GRCh37 (hg19) VCF-style: chr5-176943943-C-T.
Other names: c.-652G>A (NM_001321732.2); c.-444G>A (NM_001321830.2); short protein forms E2K.
Identifiers: ClinVar variation 4238719 (VCV004238719.2).

ClinVar aggregate classification (germline): Uncertain significance. Review status: criteria provided, multiple submitters, no conflicts (2 of 4 stars). 2 submissions from 2 submitters: Uncertain significance (2). Last evaluated 2025-10-27.

Conditions:
Inborn genetic diseases. Identifiers: MedGen C0950123, MeSH D030342.

gnomAD v4.1: 2 of 1,612,674 alleles (0.00012%); highest among the groups gnomAD compares: South Asian, 0.0022%; no homozygotes.

Submissions (2):

Labcorp Genetics (formerly Invitae), Labcorp
Classification: Uncertain significance. Last evaluated: 2025-10-27. Review status: criteria provided, single submitter. Criteria: Invitae Variant Classification Sherloc (09022015). Collection method: clinical testing. Allele origin: germline.
Comment: This sequence change replaces glutamic acid, which is acidic and polar, with lysine, which is basic and polar, at codon 2 of the DDX41 protein (p.Glu2Lys). This variant is present in population databases (no rsID available, gnomAD 0.003%). This variant has not been reported in the literature in individuals affected with DDX41-related conditions. ClinVar contains an entry for this variant (Variation ID: 4238719). An algorithm developed to predict the effect of missense changes on protein structure and function (PolyPhen-2) suggests that this variant is likely to be tolerated. In summary, the available evidence is currently insufficient to determine the role of this variant in disease. Therefore, it has been classified as a Variant of Uncertain Significance.

Ambry Genetics
Classification: Uncertain significance for Inborn genetic diseases. Last evaluated: 2025-06-26. Review status: criteria provided, single submitter. Criteria: Ambry Variant Classification Scheme 2023. Collection method: clinical testing. Allele origin: germline.
Comment: The p.E2K variant (also known as c.4G>A), located in coding exon 1 of the DDX41 gene, results from a G to A substitution at nucleotide position 4. The glutamic acid at codon 2 is replaced by lysine, an amino acid with similar properties. This amino acid position is highly conserved in available vertebrate species. In addition, this alteration is predicted to be tolerated by in silico analysis. Based on the available evidence, the clinical significance of this variant remains unclear.